The following is an entry in ClinVar:

ClinVar aggregate classification (germline): Likely pathogenic (1 of 4 stars; one submission).

Conditions:
Congenital contractural arachnodactyly (CCA). Also called: Beals-Hecht syndrome; Arthrogryposis, distal, type 9; BEALS SYNDROME. Identifiers: Orphanet 115, MedGen C0220668, MONDO:0007363, OMIM 121050.

Submission:

Medical Genetics Clinic, Mersin Women and Children Hospital
Classification: Likely pathogenic for Congenital contractural arachnodactyly. Last evaluated: 2017-11-28. Review status: criteria provided, single submitter. Criteria: ACMG Guidelines, 2015. Collection method: provider interpretation. Allele origin: de novo. Inheritance: Autosomal dominant inheritance. Affected: yes. Observed: 1 variant allele, 1 heterozygote.
Comment: According to Standards and guidelines for the interpretation of sequence results by ACMG (Richards S and Committee 2015) the variant is classified as likely pathogenic [(ii) and (iii); (PS2, PM2, PP2, PP3, PP4)].

NM_001999.4(FBN2):c.3973G>A (p.Asp1325Asn)

Gene: FBN2 (fibrillin 2; minus strand). Cytogenetic location: 5q23.3.
Variant type: single nucleotide variant.
Coding change: c.3973G>A on transcript NM_001999.4 (MANE Select); coding-DNA position 3973, G replaced by A.
Protein change: p.Asp1325Asn; replaces aspartic acid 1325 with asparagine.
Molecular consequence: missense variant.
Genome position (GRCh38, 1-based): chr5:128,335,170, C>T on the plus strand (G>A on the coding strand, the complement: FBN2 is on the minus strand). VCF-style: chr5-128335170-C-T. GRCh37 (hg19) VCF-style: chr5-127670862-C-T.
Other names: short protein forms D1325N.
Identifiers: ClinVar variation 446528 (VCV000446528.2), dbSNP rs1554122802, ClinGen allele CA360757283.